The following is an entry in ClinVar:

ClinVar aggregate classification (germline): Likely pathogenic (1 of 4 stars; one submission).

Submission:

Mayo Clinic Laboratories, Mayo Clinic
Classification: Likely pathogenic. Last evaluated: 2025-07-09. Review status: criteria provided, single submitter. Criteria: ACMG Guidelines, 2015. Collection method: clinical testing. Allele origin: germline. Observed: 1 variant allele.
Comment: PM2_supporting, PVS1

NM_000129.4(F13A1):c.59_60del (p.Asn19_Ser20insTer)

Gene: F13A1 (coagulation factor XIII A chain; minus strand). Cytogenetic location: 6p25.1.
Variant type: Microsatellite.
Coding change: c.59_60del on transcript NM_000129.4 (MANE Select); coding-DNA positions 59 to 60, 2 bases deleted (CT; older notation c.59_60delCT).
Protein change: p.Asn19_Ser20insTer.
Molecular consequence: nonsense.
Genome position (GRCh38, 1-based): chr6:6,318,605-6,318,606, AG deleted on the plus strand (CT on the coding strand, the reverse complement: F13A1 is on the minus strand); deleting any 2 consecutive bases within chr6:6,318,605-6,318,608 gives the same sequence; the c. name uses the placement nearest the transcript's 3' end. VCF-style (leftmost placement, unchanged base first): chr6-6318604-TAG-T. GRCh37 (hg19) VCF-style: chr6-6318837-TAG-T.
Other names: p.Ser20*.
Identifiers: ClinVar variation 4541104 (VCV004541104.1).
Genomic context (GRCh38, chr6:6,318,604, plus strand): 5'-TGACGCCCCGGGGCACCACGCCCTGAAGCTCCACTGTGGGCAGGTCATCTTCCGCTGCAT[TAG>T]AGTTATTGGGTGGAACTGCTCTTCTGCCTCCAAAGGCGGTCCTGGAAGTTTCTGACATTT-3'